The following is an entry in ClinVar:

NM_000526.5(KRT14):c.86G>A (p.Ser29Asn)

Gene: KRT14 (keratin 14; minus strand). Cytogenetic location: 17q21.2.
Variant type: single nucleotide variant.
Coding change: c.86G>A on transcript NM_000526.5 (MANE Select); coding-DNA position 86, G replaced by A.
Protein change: p.Ser29Asn; replaces serine 29 with asparagine.
Molecular consequence: missense variant.
Genome position (GRCh38, 1-based): chr17:41,586,749, C>T on the plus strand (G>A on the coding strand, the complement: KRT14 is on the minus strand). VCF-style: chr17-41586749-C-T. GRCh37 (hg19) VCF-style: chr17-39743001-C-T.
Other names: short protein forms S29N.
Identifiers: ClinVar variation 4773531 (VCV004773531.1).

ClinVar aggregate classification (germline): Uncertain significance (1 of 4 stars; one submission).

Submission:

Labcorp Genetics (formerly Invitae), Labcorp
Classification: Uncertain significance. Last evaluated: 2025-09-24. Review status: criteria provided, single submitter. Criteria: Invitae Variant Classification Sherloc (09022015). Collection method: clinical testing. Allele origin: germline.
Comment: This sequence change replaces serine, which is neutral and polar, with asparagine, which is neutral and polar, at codon 29 of the KRT14 protein (p.Ser29Asn). This variant is not present in population databases (gnomAD no frequency). This variant has not been reported in the literature in individuals affected with KRT14-related conditions. Experimental studies and prediction algorithms are not available or were not evaluated, and the functional significance of this variant is currently unknown. In summary, the available evidence is currently insufficient to determine the role of this variant in disease. Therefore, it has been classified as a Variant of Uncertain Significance.